The following is an entry in ClinVar:

ClinVar aggregate classification (germline): Likely pathogenic (1 of 4 stars; one submission).

Submission:

GeneDx
Classification: Likely pathogenic. Last evaluated: 2023-11-09. Review status: criteria provided, single submitter. Criteria: GeneDx Variant Classification Process June 2021. Collection method: clinical testing. Allele origin: germline. Affected: yes.
Comment: Frameshift variant predicted to result in protein truncation, as the last 25 amino acids are replaced with 77 different amino acids, and other loss-of-function variants have been reported downstream in HGMD; Not observed at significant frequency in large population cohorts (gnomAD); Has not been previously published as pathogenic or benign to our knowledge

NM_004870.4(MPDU1):c.666_667del (p.Cys223fs)

Gene: MPDU1 (mannose-P-dolichol utilization defect 1; plus strand). Cytogenetic location: 17p13.1.
Variant type: Microsatellite.
Coding change: c.666_667del on transcript NM_004870.4 (MANE Select); coding-DNA positions 666 to 667, 2 bases deleted (CT; older notation c.666_667delCT).
Protein change: p.Cys223fs; shifts the reading frame from cysteine 223.
Molecular consequence: frameshift variant. On other transcripts: 3 prime UTR variant (1), non-coding transcript variant (1).
Genome position (GRCh38, 1-based): chr17:7,587,473-7,587,474, CT deleted; deleting any 2 consecutive bases within chr17:7,587,467-7,587,474 gives the same sequence; the c. name uses the placement nearest the transcript's 3' end. VCF-style (leftmost placement, unchanged base first): chr17-7587466-CCT-C. GRCh37 (hg19) VCF-style: chr17-7490784-CCT-C.
Other names: c.*23CT[3] (NM_001330073.1); short protein forms C223fs.
Identifiers: ClinVar variation 2663022 (VCV002663022.1), dbSNP rs774113804, ClinGen allele CA8353032.